The following is an entry in ClinVar:

ClinVar aggregate classification (germline): Pathogenic (1 of 4 stars; one submission).

Submission:

GeneDx
Classification: Pathogenic. Last evaluated: 2022-08-11. Review status: criteria provided, single submitter. Criteria: GeneDx Variant Classification Process June 2021. Collection method: clinical testing. Allele origin: germline. Affected: yes.
Comment: Frameshift variant predicted to result in protein truncation or nonsense mediated decay in a gene for which loss of function is a known mechanism of disease; Not observed at significant frequency in large population cohorts (gnomAD); This variant is associated with the following publications: (PMID: 30530636)

NM_001042492.3(NF1):c.3824del (p.Phe1275fs)

Gene: NF1 (neurofibromin 1; plus strand). Cytogenetic location: 17q11.2.
Variant type: Deletion.
Coding change: c.3824del on transcript NM_001042492.3 (MANE Select); coding-DNA position 3824, one base deleted (T; older notation c.3824delT).
Protein change: p.Phe1275fs; shifts the reading frame from phenylalanine 1275.
Molecular consequence: frameshift variant.
Genome position (GRCh38, 1-based): chr17:31,235,726, T deleted; the last of 2 consecutive T bases (chr17:31,235,725-31,235,726); deleting either gives the same sequence. VCF-style (leftmost placement, unchanged base first): chr17-31235724-CT-C. GRCh37 (hg19) VCF-style: chr17-29562742-CT-C.
Other names: c.3824delT, p.Phe1275Serfs (NM_000267.4); short protein forms F1275fs.
Identifiers: ClinVar variation 2429669 (VCV002429669.1), dbSNP rs2508260011, ClinGen allele CA2580093097.